The following is an entry in ClinVar:

ClinVar aggregate classification (germline): Uncertain significance (1 of 4 stars; one submission).

gnomAD v4.1: 1 of 1,580,576 alleles (0.000063%); highest among the groups gnomAD compares: Non-Finnish European, 0.000086%; no homozygotes.

Submission:

Women's Health and Genetics/Laboratory Corporation of America, LabCorp
Classification: Uncertain significance. Last evaluated: 2024-05-09. Review status: criteria provided, single submitter. Criteria: LabCorp Variant Classification Summary - May 2015. Collection method: clinical testing. Allele origin: germline.
Comment: Variant summary: AGO1 c.1141-5T>A alters a non-conserved nucleotide located close to a canonical splice site and therefore could affect mRNA splicing, leading to a significantly altered protein sequence. Several computational tools predict a significant impact on normal splicing: One predict the variant abolishes a canonical 3' acceptor site. Three predict the variant weakens a canonical 3' acceptor site. Three predict the variant creates a cryptic 3' acceptor site. However, these predictions have yet to be confirmed by functional studies. The variant was absent in 222290 control chromosomes. The available data on variant occurrences in the general population are insufficient to allow any conclusion about variant significance. To our knowledge, no occurrence of c.1141-5T>A in individuals affected with Neurodevelopmental Disorder With Language Delay And Behavioral Abnormalities, With Or Without Seizures and no experimental evidence demonstrating its impact on protein function have been reported. No submitters have cited clinical-significance assessments for this variant to ClinVar. Based on the evidence outlined above, the variant was classified as uncertain significance.

NM_012199.5(AGO1):c.1141-5T>A

Gene: AGO1 (argonaute RISC component 1; plus strand). Cytogenetic location: 1p34.3.
Variant type: single nucleotide variant.
Coding change: c.1141-5T>A on transcript NM_012199.5 (MANE Select); 5 bases into the intron before coding-DNA position 1141, T replaced by A.
Molecular consequence: intron variant.
Genome position (GRCh38, 1-based): chr1:35,901,943, T>A. VCF-style: chr1-35901943-T-A. GRCh37 (hg19) VCF-style: chr1-36367544-T-A.
Other names: c.916-5T>A (NM_001317123.2); c.1141-5T>A (NM_001317122.2).
Identifiers: ClinVar variation 3336074 (VCV003336074.1).